The following is an entry in ClinVar:

NM_001447.3(FAT2):c.6437G>A (p.Arg2146Gln)

Genes: SLC36A1 (solute carrier family 36 member 1; plus strand), FAT2 (FAT atypical cadherin 2; minus strand). Cytogenetic location: 5q33.1.
Variant type: single nucleotide variant.
Coding change: c.6437G>A on transcript NM_001447.3 (MANE Select); coding-DNA position 6437, G replaced by A.
Protein change: p.Arg2146Gln; replaces arginine 2146 with glutamine.
Molecular consequence: missense variant.
Genome position (GRCh38, 1-based): chr5:151,544,690, C>T on the plus strand (G>A on the coding strand, the complement: FAT2 is on the minus strand). VCF-style: chr5-151544690-C-T. GRCh37 (hg19) VCF-style: chr5-150924251-C-T.
Other names: c.6437G>A (NM_001447.2); short protein forms R2146Q.
Identifiers: ClinVar variation 1050143 (VCV001050143.29), dbSNP rs141929328, ClinGen allele CA3521109.

ClinVar aggregate classification (germline): Likely benign. Review status: criteria provided, multiple submitters, no conflicts (2 of 4 stars). 4 submissions from 4 submitters: Likely benign (3). 1 of the submissions does not count toward it. Last evaluated 2026-01-06.

Allele frequency attached by ClinVar (database versions not stated): ESP Exome Variant Server 0.00108; 1000 Genomes Project 30x 0.00203; 1000 Genomes Project 0.00220.
gnomAD v4.1: 425 of 1,614,098 alleles (0.026%); highest among the groups gnomAD compares: African/African-American, 0.45%; 1 homozygote.

Submissions (4):

Labcorp Genetics (formerly Invitae), Labcorp
Classification: Likely benign. Last evaluated: 2026-01-06. Review status: criteria provided, single submitter. Criteria: Invitae Variant Classification Sherloc (09022015). Collection method: clinical testing. Allele origin: germline.

Ambry Genetics
Classification: Likely benign. Last evaluated: 2025-10-06. Review status: criteria provided, single submitter. Criteria: Ambry Variant Classification Scheme 2023. Collection method: clinical testing. Allele origin: germline.

CeGaT Center for Human Genetics Tuebingen
Classification: Likely benign. Last evaluated: 2023-10-01. Review status: criteria provided, single submitter. Criteria: CeGaT Center For Human Genetics Tuebingen Variant Classification Criteria Version 2. Collection method: clinical testing. Allele origin: germline. Affected: yes. Observed: 1 variant allele.
Comment: FAT2: BP4, BS2

Department of Pathology and Laboratory Medicine, Sinai Health System
Classification: Likely benign. Review status: no assertion criteria provided. Collection method: clinical testing. Allele origin: unknown. Affected: yes. Study: The Canadian Open Genetics Repository (COGR). Not counted in ClinVar's aggregate classification.
Comment: The FAT2 p.R2146Q variant was not identified in the literature nor was it identified in ClinVar. The variant was identified in dbSNP (ID: rs141929328) and in control databases in 130 of 282544 chromosomes (2 homozygous) at a frequency of 0.0004601, and was observed at the highest frequency in the African population in 103 of 24952 chromosomes (2 homozygous) (freq: 0.004128) (Genome Aggregation Database March 6, 2019, v2.1.1). The p.R2146 residue is conserved in mammals but not in more distantly related organisms, and computational analyses (MUT Assesor, PolyPhen-2, SIFT, MutationTaster, Revel, FATHMM, MetaLR, DANN) do not suggest a high likelihood of impact to the protein; however this information is not predictive enough to rule out pathogenicity. The variant occurs outside of the splicing consensus sequence and in silico or computational prediction software programs (Splice AI exome) do not predict a difference in splicing. In summary, based on the above information the clinical significance of this variant cannot be determined with certainty at this time although we would lean towards a more benign role for this variant. This variant is classified as likely benign.